The following is an entry in ClinVar:

NM_003322.6(TULP1):c.162dup (p.Thr55fs)

Gene: TULP1 (TUB like protein 1; minus strand). Cytogenetic location: 6p21.31.
Variant type: Duplication.
Coding change: c.162dup on transcript NM_003322.6 (MANE Select); coding-DNA position 162, one base duplicated (C; older notation c.162dupC).
Protein change: p.Thr55fs; shifts the reading frame from threonine 55.
Molecular consequence: frameshift variant.
Genome position (GRCh38, 1-based): chr6:35,512,208, G duplicated on the plus strand (C on the coding strand, the reverse complement: TULP1 is on the minus strand); the first of 4 consecutive G bases (chr6:35,512,208-35,512,211); duplicating any one gives the same sequence. VCF-style (leftmost placement, unchanged base first): chr6-35512207-T-TG. GRCh37 (hg19) VCF-style: chr6-35479984-T-TG.
Other names: c.162dup, p.Thr55fs (NM_001289395.2); short protein forms T55fs.
Identifiers: ClinVar variation 1708378 (VCV001708378.4), dbSNP rs2533811446, ClinGen allele CA2578595007.

ClinVar aggregate classification (germline): Pathogenic/Likely pathogenic. Review status: criteria provided, multiple submitters, no conflicts (2 of 4 stars). 2 submissions from 2 submitters: Pathogenic (1); Likely pathogenic (1). Last evaluated 2023-08-09.

Conditions:
Retinitis pigmentosa 14 (RP14). Also called: RETINITIS PIGMENTOSA, JUVENILE, TULP1-RELATED. Identifiers: Orphanet 791, MedGen C1838603, MONDO:0010827, OMIM 600132.

Submissions (2):

Centre of Medical Genetics, University Hospital Muenster
Classification: Pathogenic. Last evaluated: 2023-08-09. Review status: criteria provided, single submitter. Criteria: ACMG Guidelines, 2015. Collection method: clinical testing. Allele origin: unknown. Affected: yes. Observed: 1 variant allele, 1 homozygote.
Comment: ACMG categories: PVS1,PM2,PM3

MGZ Medical Genetics Center
Classification: Likely pathogenic for Retinitis pigmentosa 14. Last evaluated: 2021-11-15. Review status: criteria provided, single submitter. Criteria: ACMG Guidelines, 2015. Collection method: clinical testing. Allele origin: germline. Affected: yes. Observed: 1 variant allele.
Comment: ACMG criteria applied: PVS1, PM2_SUP